The following is an entry in ClinVar:

NM_000258.3(MYL3):c.227G>A (p.Cys76Tyr)

Gene: MYL3 (myosin light chain 3; minus strand). Cytogenetic location: 3p21.31.
Variant type: single nucleotide variant.
Coding change: c.227G>A on transcript NM_000258.3 (MANE Select); coding-DNA position 227, G replaced by A.
Protein change: p.Cys76Tyr; replaces cysteine 76 with tyrosine.
Molecular consequence: missense variant.
Genome position (GRCh38, 1-based): chr3:46,860,756, C>T on the plus strand (G>A on the coding strand, the complement: MYL3 is on the minus strand). VCF-style: chr3-46860756-C-T. GRCh37 (hg19) VCF-style: chr3-46902246-C-T.
Other names: short protein forms C76Y.
Identifiers: ClinVar variation 1046319 (VCV001046319.5), dbSNP rs370857205, ClinGen allele CA043176.
Genomic context (GRCh38, chr3:46,860,756, plus strand): 5'-AGGACACGGAGCACTTCTGCCTGTGTGGGGTTCTGGCCCAGCGCCCGCAGGACATCCCCA[C>T]ACTGCCCGTAGGTGATCTTCATCTCACACTTGGGTGTGCGGTCGAACAGCATGAAGGCTT-3'
Protein context (NP_000249.1, residues 66-86): KCEMKITYGQ[Cys76Tyr]GDVLRALGQN

ClinVar aggregate classification (germline): Uncertain significance (1 of 4 stars; one submission).

Conditions:
Hypertrophic cardiomyopathy. Also called: HYPERTROPHIC MYOCARDIOPATHY. Identifiers: Orphanet 217569, MedGen C0007194, MeSH D002312, MONDO:0005045, HP:0001639.

Allele frequency attached by ClinVar (database versions not stated): gnomAD exomes below 0.00001; ExAC 0.00001; ESP Exome Variant Server 0.00008.
gnomAD v4.1: 1 of 1,614,156 alleles (0.000062%); highest among the groups gnomAD compares: African/African-American, 0.0013%; no homozygotes.

Submission:

Labcorp Genetics (formerly Invitae), Labcorp
Classification: Uncertain significance for Hypertrophic cardiomyopathy. Last evaluated: 2025-06-14. Review status: criteria provided, single submitter. Criteria: Invitae Variant Classification Sherloc (09022015). Collection method: clinical testing. Allele origin: germline.
Comment: This sequence change replaces cysteine, which is neutral and slightly polar, with tyrosine, which is neutral and polar, at codon 76 of the MYL3 protein (p.Cys76Tyr). This variant is present in population databases (rs370857205, gnomAD 0.007%). This variant has not been reported in the literature in individuals affected with MYL3-related conditions. ClinVar contains an entry for this variant (Variation ID: 1046319). An algorithm developed to predict the effect of missense changes on protein structure and function (PolyPhen-2) suggests that this variant is likely to be disruptive. In summary, the available evidence is currently insufficient to determine the role of this variant in disease. Therefore, it has been classified as a Variant of Uncertain Significance.